The following is an entry in ClinVar:

ClinVar aggregate classification (germline): Pathogenic (1 of 4 stars; one submission).

Conditions:
Primary immunodeficiency or monogenic inflammatory bowel disease.

Submission:

North West Genomic Laboratory Hub, Manchester University NHS Foundation Trust
Classification: Pathogenic for Primary immunodeficiency or monogenic inflammatory bowel disease. Last evaluated: 2025-07-04. Review status: criteria provided, single submitter. Criteria: ACGS Best Practice Guidelines for Variant Classification in Rare Disease 2024. Collection method: clinical testing. Allele origin: germline. Affected: yes.
Comment: PP4_Supp PM2_Mod PVS1_VStr

NM_006060.6(IKZF1):c.130C>T (p.Gln44Ter)

Gene: IKZF1 (IKAROS family zinc finger 1; plus strand). Cytogenetic location: 7p12.2.
Variant type: single nucleotide variant.
Coding change: c.130C>T on transcript NM_006060.6 (MANE Select); coding-DNA position 130, C replaced by T.
Protein change: p.Gln44Ter; replaces glutamine 44 with a stop codon.
Molecular consequence: nonsense.
Genome position (GRCh38, 1-based): chr7:50,327,727, C>T. VCF-style: chr7-50327727-C-T. GRCh37 (hg19) VCF-style: chr7-50367323-C-T.
Other names: c.130C>T, p.Gln44Ter (NM_001220765.3, NM_001220767.2, NM_001220768.2 and 14 more transcripts); short protein forms Q44*.
Identifiers: ClinVar variation 4887049 (VCV004887049.1).